The following is an entry in ClinVar:

NM_001271696.3(ABCB7):c.1957G>A (p.Asp653Asn)

Gene: ABCB7 (ATP binding cassette subfamily B member 7; minus strand). Cytogenetic location: Xq13.3.
Variant type: single nucleotide variant.
Coding change: c.1957G>A on transcript NM_001271696.3 (MANE Select); coding-DNA position 1957, G replaced by A.
Protein change: p.Asp653Asn; replaces aspartic acid 653 with asparagine.
Molecular consequence: missense variant.
Genome position (GRCh38, 1-based): chrX:75,060,309, C>T on the plus strand (G>A on the coding strand, the complement: ABCB7 is on the minus strand). VCF-style: chrX-75060309-C-T. GRCh37 (hg19) VCF-style: chrX-74280144-C-T.
Other names: c.1960G>A (NM_004299.3); c.1837G>A, p.Asp613Asn (NM_001271697.3); c.1879G>A, p.Asp627Asn (NM_001271698.3); c.1840G>A, p.Asp614Asn (NM_001271699.3); c.1960G>A, p.Asp654Asn (NM_004299.6); short protein forms D613N, D614N, D627N, D654N, D653N.
Identifiers: ClinVar variation 3693732 (VCV003693732.3).

ClinVar aggregate classification (germline): Uncertain significance. Review status: criteria provided, multiple submitters, no conflicts (2 of 4 stars). 2 submissions from 2 submitters: Uncertain significance (2). Last evaluated 2025-10-28.

Conditions:
Inborn genetic diseases. Identifiers: MedGen C0950123, MeSH D030342.

Submissions (2):

Ambry Genetics
Classification: Uncertain significance for Inborn genetic diseases. Last evaluated: 2025-10-28. Review status: criteria provided, single submitter. Criteria: Ambry Variant Classification Scheme 2023. Collection method: clinical testing. Allele origin: germline.

Labcorp Genetics (formerly Invitae), Labcorp
Classification: Uncertain significance. Last evaluated: 2024-09-28. Review status: criteria provided, single submitter. Criteria: Invitae Variant Classification Sherloc (09022015). Collection method: clinical testing. Allele origin: germline.
Comment: This sequence change replaces aspartic acid, which is acidic and polar, with asparagine, which is neutral and polar, at codon 654 of the ABCB7 protein (p.Asp654Asn). This variant is not present in population databases (gnomAD no frequency). This variant has not been reported in the literature in individuals affected with ABCB7-related conditions. An algorithm developed to predict the effect of missense changes on protein structure and function (PolyPhen-2) suggests that this variant is likely to be tolerated. In summary, the available evidence is currently insufficient to determine the role of this variant in disease. Therefore, it has been classified as a Variant of Uncertain Significance.